The following is an entry in ClinVar:

NM_025074.7(FRAS1):c.2719C>T (p.Gln907Ter)

Gene: FRAS1 (Fraser extracellular matrix complex subunit 1; plus strand). Cytogenetic location: 4q21.21.
Variant type: single nucleotide variant.
Coding change: c.2719C>T on transcript NM_025074.7 (MANE Select); coding-DNA position 2719, C replaced by T.
Protein change: p.Gln907Ter; replaces glutamine 907 with a stop codon.
Molecular consequence: nonsense.
Genome position (GRCh38, 1-based): chr4:78,364,051, C>T. VCF-style: chr4-78364051-C-T. GRCh37 (hg19) VCF-style: chr4-79285205-C-T.
Other names: c.2719C>T, p.Gln907Ter (NM_001166133.2); short protein forms Q907*.
Identifiers: ClinVar variation 435260 (VCV000435260.14), dbSNP rs755750961, ClinGen allele CA2976718.

ClinVar aggregate classification (germline): Pathogenic/Likely pathogenic. Review status: criteria provided, multiple submitters, no conflicts (2 of 4 stars). 5 submissions from 5 submitters: Pathogenic (2); Likely pathogenic (3). Last evaluated 2024-02-29.

Conditions:
Fraser syndrome 1 (FRASRS1). Also called: CRYPTOPHTHALMOS WITH OTHER MALFORMATIONS. Identifiers: Orphanet 2052, MedGen C4551480, MONDO:0054737, OMIM 219000.
FRAS1-related disorder. Also called: FRAS1-related condition.

Allele frequency attached by ClinVar (database versions not stated): ExAC below 0.00001; TOPMed below 0.00001; gnomAD 0.00001; gnomAD exomes 0.00001.
gnomAD v4.1: 16 of 1,580,514 alleles (0.001%); highest among the groups gnomAD compares: Non-Finnish European, 0.0014%; no homozygotes.

Submissions (5):

Labcorp Genetics (formerly Invitae), Labcorp
Classification: Pathogenic. Last evaluated: 2024-02-29. Review status: criteria provided, single submitter. Criteria: Invitae Variant Classification Sherloc (09022015). Collection method: clinical testing. Allele origin: germline.
Comment: This sequence change creates a premature translational stop signal (p.Gln907*) in the FRAS1 gene. It is expected to result in an absent or disrupted protein product. Loss-of-function variants in FRAS1 are known to be pathogenic (PMID: 12766769, 18671281). This variant is not present in population databases (gnomAD no frequency). This variant has not been reported in the literature in individuals affected with FRAS1-related conditions. ClinVar contains an entry for this variant (Variation ID: 435260). For these reasons, this variant has been classified as Pathogenic.

GeneDx
Classification: Likely pathogenic. Last evaluated: 2022-09-13. Review status: criteria provided, single submitter. Criteria: GeneDx Variant Classification Process June 2021. Collection method: clinical testing. Allele origin: germline. Affected: yes.
Comment: Nonsense variant predicted to result in protein truncation or nonsense mediated decay in a gene for which loss-of-function is a known mechanism of disease; Not observed at significant frequency in large population cohorts (gnomAD); Has not been previously published as pathogenic or benign to our knowledge

Fulgent Genetics
Classification: Likely pathogenic for Fraser syndrome 1. Last evaluated: 2021-08-27. Review status: criteria provided, single submitter. Criteria: ACMG Guidelines, 2015. Collection method: clinical testing. Allele origin: unknown.

Blueprint Genetics
Classification: Likely pathogenic for FRAS1-related disorders. Last evaluated: 2019-09-02. Review status: criteria provided, single submitter. Criteria: ACMG Guidelines, 2015. Collection method: clinical testing. Allele origin: germline. Affected: yes. Observed: 1 variant allele.

Genetic Services Laboratory, University of Chicago
Classification: Pathogenic for Fraser syndrome. Last evaluated: 2016-07-13. Review status: criteria provided, single submitter. Criteria: ACMG Guidelines, 2015. Collection method: clinical testing. Allele origin: germline. Affected: yes.

Literature cited by the submitters: PubMed 12766769 (cited by Labcorp Genetics (formerly Invitae), Labcorp); PubMed 18671281 (cited by Labcorp Genetics (formerly Invitae), Labcorp).